The following is an entry in ClinVar:

NM_001023570.4(IQCB1):c.558G>T (p.Met186Ile)

Gene: IQCB1 (IQ motif containing B1; minus strand). Cytogenetic location: 3q13.33.
Variant type: single nucleotide variant.
Coding change: c.558G>T on transcript NM_001023570.4 (MANE Select); coding-DNA position 558, G replaced by T.
Protein change: p.Met186Ile; replaces methionine 186 with isoleucine.
Molecular consequence: missense variant. On other transcripts: non-coding transcript variant (1).
Genome position (GRCh38, 1-based): chr3:121,807,373, C>A on the plus strand (G>T on the coding strand, the complement: IQCB1 is on the minus strand). VCF-style: chr3-121807373-C-A. GRCh37 (hg19) VCF-style: chr3-121526220-C-A.
Other names: p.Met186Ile; c.558G>T, p.Met186Ile (NM_001023571.4, NM_001319107.2); short protein forms M186I.
Identifiers: ClinVar variation 4540909 (VCV004540909.1).
Genomic context (GRCh38, chr3:121,807,373, plus strand): 5'-AAGCAGTAACATTTTGTAAAAACCAAGTCACCTGTTGATCTGTAGTATATTCTGTAGCAT[C>A]ATCATGACTGCAGATCCTATTTGGACATTGTCAGCTTGCAGTAAATGTAAGAAATGATCA-3'
Protein context (NP_001018864.2, residues 176-196): DNVQIGSAVM[Met186Ile]MLQNILQINS

ClinVar aggregate classification (germline): Uncertain significance (1 of 4 stars; one submission).

Submission:

Mayo Clinic Laboratories, Mayo Clinic
Classification: Uncertain significance. Last evaluated: 2025-03-17. Review status: criteria provided, single submitter. Criteria: ACMG Guidelines, 2015. Collection method: clinical testing. Allele origin: germline. Observed: 1 variant allele.
Comment: BP4_moderate, PM2_supporting